The following is an entry in ClinVar:

NM_001034853.2(RPGR):c.3143del (p.Lys1048fs)

Gene: RPGR (retinitis pigmentosa GTPase regulator; minus strand). Cytogenetic location: Xp11.4.
Variant type: Deletion.
Coding change: c.3143del on transcript NM_001034853.2 (MANE Select); coding-DNA position 3143, one base deleted (A; older notation c.3143delA).
Protein change: p.Lys1048fs; shifts the reading frame from lysine 1048.
Molecular consequence: frameshift variant. On other transcripts: intron variant (8).
Genome position (GRCh38, 1-based): chrX:38,285,856, T deleted on the plus strand (A on the coding strand, the reverse complement: RPGR is on the minus strand); the first of 4 consecutive T bases (chrX:38,285,856-38,285,859); deleting any one gives the same sequence. VCF-style (leftmost placement, unchanged base first): chrX-38285855-CT-C. GRCh37 (hg19) VCF-style: chrX-38145108-CT-C.
Other names: c.1902+1238del (NM_001367245.1); c.1386+5103del (NM_001367251.1); c.1719+1238del (NM_001367246.1); c.1572+5103del (NM_001367247.1); c.1905+1238del (NM_000328.3); c.1602+5103del (NM_001367248.1); c.1569+5103del (NM_001367249.1, NM_001367250.1); c.3143delA (NM_001034853.1); short protein forms K1048fs.
Identifiers: ClinVar variation 4949698 (VCV004949698.2).
Genomic context (GRCh38, chrX:38,285,855, plus strand): 5'-CTTCCCCTCTTCTTCCTCCTCCTCTTCTCTGTTCCTCCTGTTTTCTTCTCCTTCCCCCTC[CT>C]TTTCCCTTTCTTCTCCTTCCTCCTCTCCTTCCTCTTCCTCTCCTTCCCCCTCTCCTTCCT-3'

ClinVar aggregate classification (germline): Pathogenic/Likely pathogenic. Review status: criteria provided, multiple submitters, no conflicts (2 of 4 stars). 2 submissions from 2 submitters: Pathogenic (1); Likely pathogenic (1). Last evaluated 2024-10-11.

Conditions:
RPGR-related disorder. Also called: RPGR-related condition.

Submissions (2):

PreventionGenetics, part of Exact Sciences
Classification: Pathogenic for RPGR-related condition. Last evaluated: 2024-10-11. Review status: criteria provided, single submitter. Criteria: ACMG Guidelines, 2015. Collection method: clinical testing. Allele origin: germline.
Comment: The RPGR c.3143delA variant is predicted to result in a frameshift and premature protein termination (p.Lys1048Argfs*41). To our knowledge, this variant has not been reported in the literature or in a large population database, indicating this variant is rare. Frameshift variants in RPGR are expected to be pathogenic. This variant is interpreted as pathogenic.

Blueprint Genetics
Classification: Likely pathogenic for RPGR-related disorders. Last evaluated: 2021-02-26. Review status: criteria provided, single submitter. Criteria: ACMG Guidelines, 2015. Collection method: clinical testing. Allele origin: germline. Affected: yes. Observed: 1 variant allele.